The following is an entry in ClinVar:

NM_002691.4(POLD1):c.537del (p.Arg180fs)

Gene: POLD1 (DNA polymerase delta 1, catalytic subunit; plus strand). Cytogenetic location: 19q13.33.
Variant type: Deletion.
Coding change: c.537del on transcript NM_002691.4 (MANE Select); coding-DNA position 537, one base deleted (G; older notation c.537delG).
Protein change: p.Arg180fs; shifts the reading frame from arginine 180.
Molecular consequence: frameshift variant. On other transcripts: non-coding transcript variant (1).
Genome position (GRCh38, 1-based): chr19:50,402,072, G deleted; the last of 6 consecutive G bases (chr19:50,402,067-50,402,072); deleting any one gives the same sequence. VCF-style (leftmost placement, unchanged base first): chr19-50402066-CG-C. GRCh37 (hg19) VCF-style: chr19-50905323-CG-C.
Other names: c.537del, p.Arg180fs (NM_001256849.1, NM_001308632.1); short protein forms R180fs.
Identifiers: ClinVar variation 1438155 (VCV001438155.6), dbSNP rs1568619502, ClinGen allele CA645615442.

ClinVar aggregate classification (germline): Uncertain significance (1 of 4 stars; one submission).

Conditions:
POLD1-related polyposis and colorectal cancer syndrome (CRCS10). Also called: Colorectal cancer 10; COLORECTAL CANCER, SUSCEPTIBILITY TO, ON CHROMOSOME 19q; Colorectal cancer, susceptibility to, 10. Identifiers: Orphanet 220460, MedGen C2675481, MONDO:0012953, OMIM 612591.

Submission:

Labcorp Genetics (formerly Invitae), Labcorp
Classification: Uncertain significance for POLD1-related polyposis and colorectal cancer syndrome. Last evaluated: 2025-11-06. Review status: criteria provided, single submitter. Criteria: Invitae Variant Classification Sherloc (09022015). Collection method: clinical testing. Allele origin: germline.
Comment: This sequence change creates a premature translational stop signal (p.Arg180Glyfs*3) in the POLD1 gene. Missense variants that disrupt the 3'-5' exonuclease (proof-reading) activity of the POLD1 protein are associated with PPAP (polymerase proofreading–associated polyposis) (PMID: 23263490, 23447401). However, loss-of-function variants that result in an absent or severely disrupted POLD1 protein, and missense variants outside the exonuclease domain, are unlikely to be associated with PPAP. This variant is not present in population databases (gnomAD no frequency). This variant has not been reported in the literature in individuals affected with POLD1-related conditions. ClinVar contains an entry for this variant (Variation ID: 1438155). In summary, the available evidence is currently insufficient to determine the role of this variant in disease. Therefore, it has been classified as a Variant of Uncertain Significance.

Literature cited by the submitters: PubMed 23263490; PubMed 23447401.